The following is an entry in ClinVar:

ClinVar aggregate classification (germline): Benign/Likely benign. Review status: criteria provided, multiple submitters, no conflicts (2 of 4 stars). 9 submissions from 9 submitters: Benign (4); Likely benign (4). 1 of the submissions does not count toward it. Last evaluated 2026-01-26.

Conditions:
MYBPC3-related disorder. Also called: MYBPC3-related condition; MYBPC3-related disease; MYBPC3-related disorders.
Cardiovascular phenotype. Identifiers: MedGen CN230736.
Cardiomyopathy (CMYO). Also called: Cardiomyopathies. Identifiers: Orphanet 167848, MedGen C0878544, MONDO:0004994, HP:0001638. Inheritance: Various modes of inheritance.
Hypertrophic cardiomyopathy. Also called: HYPERTROPHIC MYOCARDIOPATHY. Identifiers: Orphanet 217569, MedGen C0007194, MeSH D002312, MONDO:0005045, HP:0001639.

Allele frequency attached by ClinVar (database versions not stated): gnomAD below 0.00001 and 0.00011; TOPMed 0.00002; gnomAD exomes 0.00021 and 0.00039; ExAC 0.00061; 1000 Genomes Project 30x 0.00094; 1000 Genomes Project 0.00100.
gnomAD v4.1: 317 of 1,595,178 alleles (0.02%); highest among the groups gnomAD compares: South Asian, 0.34%; 6 homozygotes.

Submissions (9):

Labcorp Genetics (formerly Invitae), Labcorp
Classification: Benign for Hypertrophic cardiomyopathy. Last evaluated: 2026-01-26. Review status: criteria provided, single submitter. Criteria: Invitae Variant Classification Sherloc (09022015). Collection method: clinical testing. Allele origin: germline.

Women's Health and Genetics/Laboratory Corporation of America, LabCorp
Classification: Benign. Last evaluated: 2026-01-26. Review status: criteria provided, single submitter. Criteria: LabCorp Variant Classification Summary - May 2015. Collection method: clinical testing. Allele origin: germline.
Comment: Variant summary: MYBPC3 c.909C>T (p.Asp303Asp) alters a conserved nucleotide located close to a canonical splice site and therefore could affect mRNA splicing, leading to a significantly altered protein sequence. The variant allele was found at a frequency of 0.00039 in 232866 control chromosomes, predominantly at a frequency of 0.0031 within the South Asian subpopulation in the gnomAD database, including 1 homozygotes. The observed variant frequency within South Asian control individuals in the gnomAD database exceeds the estimated maximal expected allele frequency for disease-causing variants in MYBPC3. To our knowledge, no occurrence of c.909C>T in individuals affected with MYBPC3-related conditions and no experimental evidence demonstrating its impact on protein function have been reported. ClinVar contains an entry for this variant (Variation ID: 188538). Based on the evidence outlined above, the variant was classified as benign.

Molecular Diagnostic Laboratory for Inherited Cardiovascular Disease, Montreal Heart Institute
Classification: Likely benign. Last evaluated: 2025-04-09. Review status: criteria provided, single submitter. Criteria: ACMG Guidelines, 2015. Collection method: clinical testing. Allele origin: germline. Affected: no.

Blueprint Genetics
Classification: Likely benign. Last evaluated: 2024-11-11. Review status: criteria provided, single submitter. Criteria: ACMG Guidelines, 2015. Collection method: clinical testing. Allele origin: germline.

CHEO Genetics Diagnostic Laboratory, Children's Hospital of Eastern Ontario
Classification: Benign for Cardiomyopathy. Last evaluated: 2023-05-04. Review status: criteria provided, single submitter. Criteria: ACMG Guidelines, 2015. Collection method: clinical testing. Allele origin: germline.

Color Diagnostics, LLC DBA Color Health
Classification: Likely benign for Cardiomyopathy. Last evaluated: 2018-06-18. Review status: criteria provided, single submitter. Criteria: ACMG Guidelines, 2015. Collection method: clinical testing. Allele origin: germline.

Ambry Genetics
Classification: Likely benign for Cardiovascular phenotype. Last evaluated: 2016-03-01. Review status: criteria provided, single submitter. Criteria: Ambry Variant Classification Scheme 2023. Collection method: clinical testing. Allele origin: germline.

GeneDx
Classification: Benign. Last evaluated: 2015-03-03. Review status: criteria provided, single submitter. Criteria: GeneDx Variant Classification Process June 2021. Collection method: clinical testing. Allele origin: germline. Affected: yes.

PreventionGenetics, part of Exact Sciences
Classification: Likely benign for MYBPC3-related condition. Last evaluated: 2020-11-23. Review status: no assertion criteria provided. Collection method: clinical testing. Allele origin: germline. Not counted in ClinVar's aggregate classification.
Comment: This variant is classified as likely benign based on ACMG/AMP sequence variant interpretation guidelines (Richards et al. 2015 PMID: 25741868, with internal and published modifications).

NM_000256.3(MYBPC3):c.909C>T (p.Asp303=)

Gene: MYBPC3 (myosin binding protein C3; minus strand). Cytogenetic location: 11p11.2.
Variant type: single nucleotide variant.
Coding change: c.909C>T on transcript NM_000256.3 (MANE Select); coding-DNA position 909, C replaced by T.
Protein change: p.Asp303=; no amino-acid change (aspartic acid 303 retained).
Molecular consequence: synonymous variant.
Genome position (GRCh38, 1-based): chr11:47,346,644, G>A on the plus strand (C>T on the coding strand, the complement: MYBPC3 is on the minus strand). VCF-style: chr11-47346644-G-A. GRCh37 (hg19) VCF-style: chr11-47368195-G-A.
Identifiers: ClinVar variation 188538 (VCV000188538.27), dbSNP rs200713257, ClinGen allele CA016061.
Genomic context (GRCh38, chr11:47,346,644, plus strand): 5'-GAATTAGGGGTGATGAGGGTGCTGTGCTATGTTGGGCACTCACCTCGGGGTCCGGAAACT[G>A]CTGCTCCAGGGGTGGGGGTGGGAGAAAGGGTAGGTGGCACATGAGAGGTATGGCCACCTT-3'
Protein context (NP_000247.2, residues 293-313): LDFSSLLKKR[Asp303=]SFRTPRDSKL